The following is an entry in ClinVar:

ClinVar aggregate classification (germline): Uncertain significance (1 of 4 stars; one submission).

Conditions:
DNMT3A-related disorder. Also called: DNMT3A-related condition; DNMT3A-related disorders.

Submission:

PreventionGenetics, part of Exact Sciences
Classification: Uncertain significance for DNMT3A-related condition. Last evaluated: 2025-02-21. Review status: criteria provided, single submitter. Criteria: ACMG Guidelines, 2015. Collection method: clinical testing. Allele origin: germline.
Comment: The DNMT3A c.-13_12del25 variant is predicted to disrupt the translation initiation site (p.Met1?). This variant is intronic in the canonical transcript NM_175629:c.640-3855_640-3831del25. To our knowledge, this variant has not been reported in the literature or in a large population database (gnomAD), indicating this variant is rare. At this time, the clinical significance of this variant is uncertain due to the absence of conclusive functional and genetic evidence.

NM_022552.5(DNMT3A):c.640-3855_640-3831del

Genes: DNMT3A (DNA methyltransferase 3 alpha; minus strand), LOC129933288 (ATAC-STARR-seq lymphoblastoid silent region 11249; plus strand). Cytogenetic location: 2p23.3.
Variant type: Deletion.
Coding change: c.640-3855_640-3831del on transcript NM_022552.5 (MANE Select); 3855 bases into the intron before coding-DNA position 640 through 3831 bases into the intron before coding-DNA position 640, 25 bases deleted (AAAAGAGTGAAGTATGCCTCCCCGG).
Molecular consequence: intron variant. On other transcripts: frameshift variant (2), initiator codon variant (2).
Genome position (GRCh38, 1-based): chr2:25,252,083-25,252,107, CCGGGGAGGCATACTTCACTCTTTT deleted on the plus strand (AAAAGAGTGAAGTATGCCTCCCCGG on the coding strand, the reverse complement: DNMT3A is on the minus strand); deleting any 25 consecutive bases within chr2:25,252,083-25,252,108 gives the same sequence; the c. name uses the placement nearest the transcript's 3' end. VCF-style (leftmost placement, unchanged base first): chr2-25252082-GCCGGGGAGGCATACTTCACTCTTTT-G. GRCh37 (hg19) VCF-style: chr2-25474951-GCCGGGGAGGCATACTTCACTCTTTT-G.
Other names: c.-13_12del, p.Met1fs (NM_001320893.1); c.640-3855_640-3831del (NM_175629.2); c.4+87_4+111del (NM_153759.3); c.-31+87_-31+111del (NM_001375819.1); c.-13_12del25 (NM_001320893.1); short protein forms M1fs.
Identifiers: ClinVar variation 4999868 (VCV004999868.1).